The following is an entry in ClinVar:

ClinVar aggregate classification (germline): Uncertain significance. Review status: criteria provided, single submitter (1 of 4 stars). 2 submissions from 2 submitters: Uncertain significance (1). 1 of the submissions does not count toward it. Last evaluated 2025-08-29.

Conditions:
Hereditary sensory and autonomic neuropathy type 6. Also called: Neuropathy, hereditary sensory and autonomic, type VI; HSAN VI. Identifiers: Orphanet 314381, MedGen C3539003, MONDO:0013839, OMIM 614653.
Epidermolysis bullosa simplex 3, localized or generalized intermediate, with BP230 deficiency (EBS3). Also called: Epidermolysis bullosa simplex, autosomal recessive 2; Epidermolysis bullosa simplex due to BP230 deficiency. Identifiers: Orphanet 412181, MedGen C3809470, MONDO:0014180, OMIM 615425.
DST-related disorder. Also called: DST-related disorders; DST-related condition.

Allele frequency attached by ClinVar (database versions not stated): ExAC 0.00002; gnomAD exomes 0.00003; gnomAD 0.00004; ESP Exome Variant Server 0.00016.
gnomAD v4.1: 47 of 1,582,414 alleles (0.003%); highest among the groups gnomAD compares: African/African-American, 0.011%; no homozygotes.

Submissions (2):

Labcorp Genetics (formerly Invitae), Labcorp
Classification: Uncertain significance for Epidermolysis bullosa simplex 3, localized or generalized intermediate, with BP230 deficiency; Hereditary sensory and autonomic neuropathy type 6. Last evaluated: 2025-08-29. Review status: criteria provided, single submitter. Criteria: Invitae Variant Classification Sherloc (09022015). Collection method: clinical testing. Allele origin: germline.
Comment: The DST gene has multiple clinically relevant transcripts. This variant occurs in alternate transcript NM_015548.4, and corresponds to NM_001723.5:c.*21372A>G in the primary transcript. This sequence change replaces threonine, which is neutral and polar, with alanine, which is neutral and non-polar, at codon 1459 of the DST protein (p.Thr1459Ala). The frequency data for this variant in the population databases is considered unreliable, as metrics indicate poor data quality at this position in the gnomAD database. This variant has not been reported in the literature in individuals affected with DST-related conditions. Experimental studies and prediction algorithms are not available or were not evaluated, and the functional significance of this variant is currently unknown. In summary, the available evidence is currently insufficient to determine the role of this variant in disease. Therefore, it has been classified as a Variant of Uncertain Significance.

PreventionGenetics, part of Exact Sciences
Classification: Uncertain significance for DST-related condition. Last evaluated: 2024-02-13. Review status: no assertion criteria provided. Collection method: clinical testing. Allele origin: germline. Not counted in ClinVar's aggregate classification.
Comment: The DST c.5887A>G variant is predicted to result in the amino acid substitution p.Thr1963Ala. To our knowledge, this variant has not been reported in the literature. This variant is reported in 0.017% of alleles in individuals of African descent in gnomAD. At this time, the clinical significance of this variant is uncertain due to the absence of conclusive functional and genetic evidence.

NM_001374736.1(DST):c.12244A>G (p.Thr4082Ala)

Genes: DST (dystonin; minus strand), LOC129996656 (ATAC-STARR-seq lymphoblastoid active region 24702; plus strand). Cytogenetic location: 6p12.1.
Variant type: single nucleotide variant.
Coding change: c.12244A>G on transcript NM_001374736.1 (MANE Select); coding-DNA position 12244, A replaced by G.
Protein change: p.Thr4082Ala; replaces threonine 4082 with alanine.
Molecular consequence: missense variant.
Genome position (GRCh38, 1-based): chr6:56,594,145, T>C on the plus strand (A>G on the coding strand, the complement: DST is on the minus strand). VCF-style: chr6-56594145-T-C. GRCh37 (hg19) VCF-style: chr6-56458943-T-C.
Other names: c.5887A>G (NM_001144769.2); c.5887A>G, p.Thr1963Ala (NM_001144769.5); c.5473A>G, p.Thr1825Ala (NM_001144770.2); c.12244A>G, p.Thr4082Ala (NM_001374722.1); c.11611A>G, p.Thr3871Ala (NM_001374729.1); c.5353A>G, p.Thr1785Ala (NM_001374730.1, NM_001386100.1, NM_183380.4); c.12271A>G, p.Thr4091Ala (NM_001374734.1); c.4375A>G, p.Thr1459Ala (NM_015548.5); short protein forms T1459A, T1785A, T3871A, T1825A, T1963A, T4082A, T4091A.
Identifiers: ClinVar variation 1412832 (VCV001412832.6), dbSNP rs372663471, ClinGen allele CA3868470.
Genomic context (GRCh38, chr6:56,594,145, plus strand): 5'-CTTTTTCTTCAGGAGAGAGATACTGACCCTGTTTCTCAAGCAACACTTGTGCAGACTGAG[T>C]GGCTATGATCACTGCTTGGTGCTGAGAGATGATCTTCTCGTGTTGGGCCTATGTGAAAAC-3'
Protein context (NP_001361665.1, residues 4072-4092): ISQHQAVIIA[Thr4082Ala]QSAQVLLEKQ